The following is an entry in ClinVar:

ClinVar aggregate classification (germline): Likely benign. Review status: criteria provided, multiple submitters, no conflicts (2 of 4 stars). 3 submissions from 3 submitters: Likely benign (3). Last evaluated 2024-03-01.

Allele frequency attached by ClinVar (database versions not stated): ESP Exome Variant Server 0.00131; gnomAD 0.00135 and 0.00158; gnomAD exomes 0.00159 and 0.00250; TOPMed 0.00164; 1000 Genomes Project 0.00220; 1000 Genomes Project 30x 0.00250; ExAC 0.00257.
gnomAD v4.1: 2,632 of 1,599,856 alleles (0.16%); highest among the groups gnomAD compares: Middle Eastern, 2.1%; 18 homozygotes.

Submissions (3):

CeGaT Center for Human Genetics Tuebingen
Classification: Likely benign. Last evaluated: 2024-03-01. Review status: criteria provided, single submitter. Criteria: CeGaT Center For Human Genetics Tuebingen Variant Classification Criteria Version 2. Collection method: clinical testing. Allele origin: germline. Affected: yes. Observed: 1 variant allele.
Comment: BCL6: BP4

Labcorp Genetics (formerly Invitae), Labcorp
Classification: Likely benign. Last evaluated: 2019-12-31. Review status: criteria provided, single submitter. Criteria: Invitae Variant Classification Sherloc (09022015). Collection method: clinical testing. Allele origin: germline.

Breakthrough Genomics
Classification: Likely benign. Review status: criteria provided, single submitter. Criteria: ACMG Guidelines, 2015. Collection method: not provided. Allele origin: germline. Inheritance: Unknown mechanism. Affected: yes.

NM_001706.5(BCL6):c.1356-3T>C

Genes: BCL6 (BCL6 transcription repressor; minus strand), LOC100131635 (hCG1645011-like; plus strand). Cytogenetic location: 3q27.3.
Variant type: single nucleotide variant.
Coding change: c.1356-3T>C on transcript NM_001706.5 (MANE Select); 3 bases into the intron before coding-DNA position 1356, T replaced by C.
Molecular consequence: intron variant.
Genome position (GRCh38, 1-based): chr3:187,728,547, A>G on the plus strand (T>C on the coding strand, the complement: BCL6 is on the minus strand). VCF-style: chr3-187728547-A-G. GRCh37 (hg19) VCF-style: chr3-187446335-A-G.
Other names: c.1356-3T>C (NM_001134738.2, NM_001130845.2).
Identifiers: ClinVar variation 781975 (VCV000781975.26), dbSNP rs113668878, ClinGen allele CA2750653.
Genomic context (GRCh38, chr3:187,728,547, plus strand): 5'-GTGCATGTAGAGTGGTGAGTGGCTCTCGCTGCTGCTGCGGGGAGAGCCCGTCATGGACCT[A>G]TGGACAGGAGTAAAAACAGCCTCAGCACCTGGGGCAGGGCCTCAAGACCACCCTCTCCTC-3'